The following is an entry in ClinVar:

NM_005255.4(GAK):c.1642A>G (p.Ile548Val)

Gene: GAK (cyclin G associated kinase; minus strand). Cytogenetic location: 4p16.3.
Variant type: single nucleotide variant.
Coding change: c.1642A>G on transcript NM_005255.4 (MANE Select); coding-DNA position 1642, A replaced by G.
Protein change: p.Ile548Val; replaces isoleucine 548 with valine.
Molecular consequence: missense variant.
Genome position (GRCh38, 1-based): chr4:881,926, T>C on the plus strand (A>G on the coding strand, the complement: GAK is on the minus strand). VCF-style: chr4-881926-T-C. GRCh37 (hg19) VCF-style: chr4-875714-T-C.
Other names: c.1405A>G, p.Ile469Val (NM_001318134.2); short protein forms I469V, I548V.
Identifiers: ClinVar variation 3897923 (VCV003897923.1).
Genomic context (GRCh38, chr4:881,926, plus strand): 5'-CCCACAGAGCTGTCCCCTGTCCCCGGAGGGCCACGCAGTACCTTTTGTGGGATGGCCAGA[T>C]GCCTGGTGGGCAGCGCTTCATGCTGAACATGTACACGGCGGCCTCCGCGGTGCTGAAGAG-3'
Protein context (NP_005246.2, residues 538-558): MFSMKRCPPG[Ile548Val]WPSHKRYIEY

ClinVar aggregate classification (germline): Uncertain significance (1 of 4 stars; one submission).

Conditions:
Incidental Discovery. Identifiers: MedGen C1135954.

gnomAD v4.1: 2 of 1,591,814 alleles (0.00013%); highest among the groups gnomAD compares: Non-Finnish European, 0.00017%; no homozygotes.

Submission:

Clinical Genetics Laboratory, Skane University Hospital Lund
Classification: Uncertain significance for Incidental Discovery. Last evaluated: 2025-05-12. Review status: criteria provided, single submitter. Criteria: ACMG Guidelines, 2015. Collection method: clinical testing. Allele origin: germline. Affected: yes.
Comment: PM2, PP3